The following is an entry in ClinVar:

ClinVar aggregate classification (germline): Uncertain significance (1 of 4 stars; one submission).

gnomAD v4.1: 6 of 1,614,104 alleles (0.00037%); highest among the groups gnomAD compares: Non-Finnish European, 0.00051%; no homozygotes.

Submission:

GeneDx
Classification: Uncertain significance. Last evaluated: 2025-12-08. Review status: criteria provided, single submitter. Criteria: GeneDx Variant Classification Process June 2021. Collection method: clinical testing. Allele origin: germline.
Comment: Not observed at significant frequency in large population cohorts (gnomAD); In silico analysis supports that this missense variant has a deleterious effect on protein structure/function; Has not been previously published as pathogenic or benign to our knowledge; Also known as p.(C760R)

NM_001243133.2(NLRP3):c.2278T>C (p.Cys760Arg)

Gene: NLRP3 (NLR family pyrin domain containing 3; plus strand). Cytogenetic location: 1q44.
Variant type: single nucleotide variant.
Coding change: c.2278T>C on transcript NM_001243133.2 (MANE Select); coding-DNA position 2278, T replaced by C.
Protein change: p.Cys760Arg; replaces cysteine 760 with arginine.
Molecular consequence: missense variant. On other transcripts: intron variant (2).
Genome position (GRCh38, 1-based): chr1:247,429,712, T>C. VCF-style: chr1-247429712-T-C. GRCh37 (hg19) VCF-style: chr1-247593014-T-C.
Other names: c.2278T>C, p.Cys760Arg (NM_001079821.3, NM_001127461.3); c.2284T>C, p.Cys762Arg (NM_004895.5); c.2150+4113T>C (NM_001127462.3, NM_183395.3); short protein forms C760R, C762R.
Identifiers: ClinVar variation 4072583 (VCV004072583.2).